The following is an entry in ClinVar:

NM_003482.4(KMT2D):c.4419G>T (p.Trp1473Cys)

Gene: KMT2D (lysine methyltransferase 2D; minus strand). Cytogenetic location: 12q13.12.
Variant type: single nucleotide variant.
Coding change: c.4419G>T on transcript NM_003482.4 (MANE Select); coding-DNA position 4419, G replaced by T.
Protein change: p.Trp1473Cys; replaces tryptophan 1473 with cysteine.
Molecular consequence: missense variant.
Genome position (GRCh38, 1-based): chr12:49,046,424, C>A on the plus strand (G>T on the coding strand, the complement: KMT2D is on the minus strand). VCF-style: chr12-49046424-C-A. GRCh37 (hg19) VCF-style: chr12-49440207-C-A.
Other names: c.4419G>T (NM_003482.3); short protein forms W1473C.
Identifiers: ClinVar variation 1490072 (VCV001490072.8), dbSNP rs767466146, ClinGen allele CA6547822.

ClinVar aggregate classification (germline): Uncertain significance. Review status: criteria provided, multiple submitters, no conflicts (2 of 4 stars). 3 submissions from 3 submitters: Uncertain significance (3). Last evaluated 2024-09-23.

Conditions:
Kabuki syndrome 1 (KABUK1). Also called: KMT2D-Related Kabuki Syndrome. Identifiers: Orphanet 2322, MedGen CN030661, MONDO:0007843, OMIM 147920.
Choanal atresia-athelia-hypothyroidism-delayed puberty-short stature syndrome (BCAHH). Also called: BRANCHIAL ARCH ABNORMALITIES, CHOANAL ATRESIA, ATHELIA, HEARING LOSS, AND HYPOTHYROIDISM SYNDROME. Identifiers: Orphanet 589856, MedGen C5680310, MONDO:0035651, OMIM 620186.
Kabuki syndrome. Also called: Kabuki make-up syndrome; NIIKAWA-KUROKI SYNDROME. Identifiers: Orphanet 2322, MedGen C0796004, MONDO:0016512.

Allele frequency attached by ClinVar (database versions not stated): ExAC 0.00001; gnomAD exomes 0.00001.
gnomAD v4.1: 2 of 1,613,368 alleles (0.00012%); highest among the groups gnomAD compares: Admixed American, 0.0033%; no homozygotes.

Submissions (3):

GeneDx
Classification: Uncertain significance. Last evaluated: 2024-09-23. Review status: criteria provided, single submitter. Criteria: GeneDx Variant Classification Process June 2021. Collection method: clinical testing. Allele origin: germline. Affected: yes.
Comment: In silico analysis supports that this missense variant has a deleterious effect on protein structure/function; Has not been previously published as pathogenic or benign to our knowledge

Fulgent Genetics
Classification: Uncertain significance for Kabuki syndrome 1; Choanal atresia-athelia-hypothyroidism-delayed puberty-short stature syndrome. Last evaluated: 2024-02-28. Review status: criteria provided, single submitter. Criteria: ACMG Guidelines, 2015. Collection method: clinical testing. Allele origin: germline.

Labcorp Genetics (formerly Invitae), Labcorp
Classification: Uncertain significance for Kabuki syndrome. Last evaluated: 2024-01-24. Review status: criteria provided, single submitter. Criteria: Invitae Variant Classification Sherloc (09022015). Collection method: clinical testing. Allele origin: germline.
Comment: This sequence change replaces tryptophan, which is neutral and slightly polar, with cysteine, which is neutral and slightly polar, at codon 1473 of the KMT2D protein (p.Trp1473Cys). This variant is present in population databases (rs767466146, gnomAD 0.006%). This variant has not been reported in the literature in individuals affected with KMT2D-related conditions. This missense change has been observed in at least one individual who was not affected with KMT2D-related conditions (Invitae). ClinVar contains an entry for this variant (Variation ID: 1490072). An algorithm developed to predict the effect of missense changes on protein structure and function (PolyPhen-2) suggests that this variant is likely to be disruptive. Algorithms developed to predict the effect of sequence changes on RNA splicing suggest that this variant may disrupt the consensus splice site. In summary, the available evidence is currently insufficient to determine the role of this variant in disease. Therefore, it has been classified as a Variant of Uncertain Significance.